The following is an entry in ClinVar:

NM_001693.4(ATP6V1B2):c.1316_1318del (p.Val439del)

Gene: ATP6V1B2 (ATPase H+ transporting V1 subunit B2; plus strand). Cytogenetic location: 8p21.3.
Variant type: Deletion.
Coding change: c.1316_1318del on transcript NM_001693.4 (MANE Select); coding-DNA positions 1316 to 1318, 3 bases deleted (TTG; older notation c.1316_1318delTTG).
Protein change: p.Val439del; deletes valine 439.
Molecular consequence: inframe deletion.
Genome position (GRCh38, 1-based): chr8:20,218,202-20,218,204, TTG deleted; deleting any 3 consecutive bases within chr8:20,218,201-20,218,204 gives the same sequence; the c. name uses the placement nearest the transcript's 3' end. VCF-style (leftmost placement, unchanged base first): chr8-20218200-CGTT-C. GRCh37 (hg19) VCF-style: chr8-20075711-CGTT-C.
Other names: c.1316_1318delTTG (NM_001693.3); short protein forms V439del.
Identifiers: ClinVar variation 372601 (VCV000372601.4), dbSNP rs1057517879, ClinGen allele CA16042714.

ClinVar aggregate classification (germline): Likely pathogenic (1 of 4 stars; one submission).

Submission:

GeneDx
Classification: Likely pathogenic. Last evaluated: 2022-04-11. Review status: criteria provided, single submitter. Criteria: GeneDx Variant Classification Process June 2021. Collection method: clinical testing. Allele origin: germline. Affected: yes.
Comment: Not observed at significant frequency in large population cohorts (gnomAD); In-frame deletion of one amino acid in a non-repeat region; In silico analysis supports a deleterious effect on protein structure/function; Has not been previously published as pathogenic or benign to our knowledge